The following is an entry in ClinVar:

ClinVar aggregate classification (germline): Uncertain significance (1 of 4 stars; one submission).

Conditions:
AMBRA1-related disorder. Also called: AMBRA1-related condition.

Submission:

PreventionGenetics, part of Exact Sciences
Classification: Uncertain significance for AMBRA1-related condition. Last evaluated: 2023-09-05. Review status: criteria provided, single submitter. Criteria: ACMG Guidelines, 2015. Collection method: clinical testing. Allele origin: germline.
Comment: The AMBRA1 c.3173C>T variant is predicted to result in the amino acid substitution p.Thr1058Met. To our knowledge, this variant has not been reported in the literature or in a large population database, indicating this variant is rare. Although we suspect that this variant may be pathogenic, at this time, the clinical significance of this variant is uncertain due to the absence of conclusive functional and genetic evidence.

NM_001387011.1(AMBRA1):c.3164C>T (p.Thr1055Met)

Gene: AMBRA1 (autophagy and beclin 1 regulator 1; minus strand). Cytogenetic location: 11p11.2.
Variant type: single nucleotide variant.
Coding change: c.3164C>T on transcript NM_001387011.1 (MANE Select); coding-DNA position 3164, C replaced by T.
Protein change: p.Thr1055Met; replaces threonine 1055 with methionine.
Molecular consequence: missense variant. On other transcripts: non-coding transcript variant (1).
Genome position (GRCh38, 1-based): chr11:46,410,321, G>A on the plus strand (C>T on the coding strand, the complement: AMBRA1 is on the minus strand). VCF-style: chr11-46410321-G-A. GRCh37 (hg19) VCF-style: chr11-46431871-G-A.
Other names: c.3173C>T, p.Thr1058Met (NM_001267782.2); c.2807C>T, p.Thr936Met (NM_001267783.2); c.2984C>T, p.Thr995Met (NM_001300731.2); c.3164C>T, p.Thr1055Met (NM_001367468.1); c.2627C>T, p.Thr876Met (NM_001367469.1); c.2357C>T, p.Thr786Met (NM_001367470.1); c.2894C>T, p.Thr965Met (NM_001367471.1, NM_017749.3); short protein forms T1055M, T1058M, T786M, T876M, T936M, T965M, T995M.
Identifiers: ClinVar variation 2636716 (VCV002636716.1), dbSNP rs2496786414, ClinGen allele CA380420502.
Genomic context (GRCh38, chr11:46,410,321, plus strand): 5'-ACTTCCCAAACATACCCAGGCCGCTCGCTGCTCCTGCTGTTGGAATGGACAGTGAAGACC[G>A]TCTCGTTCAGCTGGTCCCAGTAGTACTCAACACCAGAGTTTAAGGCCCTAAAAATCAGTT-3'
Protein context (NP_001373940.1, residues 1045-1065): VEYYWDQLNE[Thr1055Met]VFTVHSNSRS